The following is an entry in ClinVar:

NM_000260.4(MYO7A):c.4421A>T (p.Tyr1474Phe)

Gene: MYO7A (myosin VIIA; plus strand). Cytogenetic location: 11q13.5.
Variant type: single nucleotide variant.
Coding change: c.4421A>T on transcript NM_000260.4 (MANE Select); coding-DNA position 4421, A replaced by T.
Protein change: p.Tyr1474Phe; replaces tyrosine 1474 with phenylalanine.
Molecular consequence: missense variant.
Genome position (GRCh38, 1-based): chr11:77,197,578, A>T. VCF-style: chr11-77197578-A-T. GRCh37 (hg19) VCF-style: chr11-76908623-A-T.
Other names: c.4421A>T, p.Tyr1474Phe (NM_001127180.2); c.4388A>T, p.Tyr1463Phe (NM_001369365.1); short protein forms Y1474F, Y1463F.
Identifiers: ClinVar variation 2111947 (VCV002111947.4), dbSNP rs2497546495, ClinGen allele CA381950142.

ClinVar aggregate classification (germline): Uncertain significance (1 of 4 stars; one submission).

Submission:

Labcorp Genetics (formerly Invitae), Labcorp
Classification: Uncertain significance. Last evaluated: 2022-03-14. Review status: criteria provided, single submitter. Criteria: Invitae Variant Classification Sherloc (09022015). Collection method: clinical testing. Allele origin: germline.
Comment: Advanced modeling of protein sequence and biophysical properties (such as structural, functional, and spatial information, amino acid conservation, physicochemical variation, residue mobility, and thermodynamic stability) performed at Invitae indicates that this missense variant is not expected to disrupt MYO7A protein function. This sequence change replaces tyrosine, which is neutral and polar, with phenylalanine, which is neutral and non-polar, at codon 1474 of the MYO7A protein (p.Tyr1474Phe). This variant is not present in population databases (gnomAD no frequency). This variant has not been reported in the literature in individuals affected with MYO7A-related conditions. In summary, the available evidence is currently insufficient to determine the role of this variant in disease. Therefore, it has been classified as a Variant of Uncertain Significance.